The following is an entry in ClinVar:

NM_001102401.4(TTI2):c.119C>T (p.Pro40Leu)

Gene: TTI2 (TELO2 interacting protein 2; minus strand). Cytogenetic location: 8p12.
Variant type: single nucleotide variant.
Coding change: c.119C>T on transcript NM_001102401.4 (MANE Select); coding-DNA position 119, C replaced by T.
Protein change: p.Pro40Leu; replaces proline 40 with leucine.
Molecular consequence: missense variant.
Genome position (GRCh38, 1-based): chr8:33,512,495, G>A on the plus strand (C>T on the coding strand, the complement: TTI2 is on the minus strand). VCF-style: chr8-33512495-G-A. GRCh37 (hg19) VCF-style: chr8-33370013-G-A.
Other names: c.119C>T, p.Pro40Leu (NM_001265581.2, NM_001330505.3, NM_025115.5); short protein forms P40L.
Identifiers: ClinVar variation 2229458 (VCV002229458.2), dbSNP rs750784998, ClinGen allele CA4707414.

ClinVar aggregate classification (germline): Uncertain significance (1 of 4 stars; one submission).

Conditions:
Inborn genetic diseases. Identifiers: MedGen C0950123, MeSH D030342.

Allele frequency attached by ClinVar (database versions not stated): gnomAD 0.00001; gnomAD exomes 0.00001; ExAC 0.00002; TOPMed 0.00002.
gnomAD v4.1: 5 of 1,613,964 alleles (0.00031%); highest among the groups gnomAD compares: African/African-American, 0.0027%; no homozygotes.

Submission:

Ambry Genetics
Classification: Uncertain significance for Inborn genetic diseases. Last evaluated: 2021-03-03. Review status: criteria provided, single submitter. Criteria: Ambry Variant Classification Scheme 2023. Collection method: clinical testing. Allele origin: germline.
Comment: The c.119C>T (p.P40L) alteration is located in exon 1 (coding exon 1) of the TTI2 gene. This alteration results from a C to T substitution at nucleotide position 119, causing the proline (P) at amino acid position 40 to be replaced by a leucine (L). The p.P40L alteration is predicted to be tolerated by in silico analysis. Based on insufficient or conflicting evidence, the clinical significance of this alteration remains unclear.